The following is an entry in ClinVar:

ClinVar aggregate classification (germline): Conflicting classifications of pathogenicity. Review status: criteria provided, conflicting classifications (1 of 4 stars). 11 submissions from 11 submitters: Uncertain significance (9); Likely benign (1). 1 of the submissions does not count toward it. Last evaluated 2026-01-19.

Conditions:
Hereditary cancer-predisposing syndrome. Also called: Tumor predisposition; Hereditary Cancer Syndrome; Hereditary neoplastic syndrome; Neoplastic Syndromes, Hereditary. Identifiers: Orphanet 140162, MedGen C0027672, MeSH D009386, MONDO:0015356.
Familial cancer of breast. Also called: hereditary breast carcinoma; Hereditary breast cancer; BREAST CANCER, FAMILIAL. Identifiers: Orphanet 227535, MedGen C0346153, MONDO:0016419, OMIM 114480. Disease mechanism: loss of function.

Allele frequency attached by ClinVar (database versions not stated): gnomAD exomes below 0.00001; gnomAD 0.00001; ExAC 0.00002; TOPMed 0.00002.
gnomAD v4.1: 28 of 1,613,632 alleles (0.0017%); highest among the groups gnomAD compares: Non-Finnish European, 0.0024%; no homozygotes.

Submissions (11):

Labcorp Genetics (formerly Invitae), Labcorp
Classification: Uncertain significance for Familial cancer of breast. Last evaluated: 2026-01-19. Review status: criteria provided, single submitter. Criteria: Invitae Variant Classification Sherloc (09022015). Collection method: clinical testing. Allele origin: germline.
Comment: This sequence change replaces proline, which is neutral and non-polar, with alanine, which is neutral and non-polar, at codon 454 of the BARD1 protein (p.Pro454Ala). This variant is present in population databases (rs730881408, gnomAD 0.0009%). This missense change has been observed in individual(s) with endometrial cancer or breast cancer (PMID: 25186627, 27443514). ClinVar contains an entry for this variant (Variation ID: 182033). An algorithm developed to predict the effect of missense changes on protein structure and function (PolyPhen-2) suggests that this variant is likely to be disruptive. In summary, the available evidence is currently insufficient to determine the role of this variant in disease. Therefore, it has been classified as a Variant of Uncertain Significance.

Women's Health and Genetics/Laboratory Corporation of America, LabCorp
Classification: Uncertain significance. Last evaluated: 2025-09-22. Review status: criteria provided, single submitter. Criteria: LabCorp Variant Classification Summary - May 2015. Collection method: clinical testing. Allele origin: germline.
Comment: Variant summary: BARD1 c.1360C>G (p.Pro454Ala) results in a non-conservative amino acid change in the encoded protein sequence. Algorithms developed to predict the effect of missense changes on protein structure and function are either unavailable or do not agree on the potential impact of this missense change. The variant allele was found at a frequency of 4e-06 in 251328 control chromosomes. The available data on variant occurrences in the general population are insufficient to allow any conclusion about variant significance. c.1360C>G has been observed in individual(s) affected with Breast Cancer (Tung_2015) and Endometrial Cancer (Ring_2016). These report(s) do not provide unequivocal conclusions about association of the variant with Hereditary Breast And Ovarian Cancer Syndrome. To our knowledge, no experimental evidence demonstrating an impact on protein function has been reported. The following publications have been ascertained in the context of this evaluation (PMID: 25186627, 27443514). ClinVar contains an entry for this variant (Variation ID: 182033). Based on the evidence outlined above, the variant was classified as uncertain significance.

Ambry Genetics
Classification: Uncertain significance for Hereditary cancer-predisposing syndrome. Last evaluated: 2025-04-08. Review status: criteria provided, single submitter. Criteria: Ambry Variant Classification Scheme 2023. Collection method: clinical testing. Allele origin: germline.
Comment: The p.P454A variant (also known as c.1360C>G), located in coding exon 5 of the BARD1 gene, results from a C to G substitution at nucleotide position 1360. The proline at codon 454 is replaced by alanine, an amino acid with highly similar properties. This amino acid position is highly conserved in available vertebrate species. In addition, the in silico prediction for this alteration is inconclusive. Based on the available evidence, the clinical significance of this variant remains unclear.

Color Diagnostics, LLC DBA Color Health
Classification: Uncertain significance for Hereditary cancer-predisposing syndrome. Last evaluated: 2025-02-19. Review status: criteria provided, single submitter. Criteria: ACMG Guidelines, 2015. Collection method: clinical testing. Allele origin: germline.
Comment: This missense variant replaces proline with alanine at codon 454 of the BARD1 protein. Computational prediction is inconclusive regarding the impact of this variant on protein structure and function. To our knowledge, functional studies have not been reported for this variant. This variant has been reported in an individual affected with breast cancer (PMID: 25186627), an individual tested for hereditary breast and ovarian cancer (PMID: 38136308), and an individual affected with endometrial cancer (PMID: 27443514). In an international breast cancer case-control meta-analysis, this variant was detected in 2/60466 cases and absent in 53461 unaffected controls (PMID: 33471991). This variant has been identified in 1/251328 chromosomes in the general population by the Genome Aggregation Database (gnomAD). The available evidence is insufficient to determine the role of this variant in disease conclusively. Therefore, this variant is classified as a Variant of Uncertain Significance.

Baylor Genetics
Classification: Uncertain significance for Familial cancer of breast. Last evaluated: 2024-02-01. Review status: criteria provided, single submitter. Criteria: ACMG Guidelines, 2015. Collection method: clinical testing. Allele origin: unknown.

GeneDx
Classification: Uncertain significance. Last evaluated: 2023-12-28. Review status: criteria provided, single submitter. Criteria: GeneDx Variant Classification Process June 2021. Collection method: clinical testing. Allele origin: germline. Affected: yes.
Comment: Not observed at significant frequency in large population cohorts (gnomAD); In silico analysis supports that this missense variant has a deleterious effect on protein structure/function; Observed in individuals with endometrial or breast cancer (PMID: 27443514, 25186627); This variant is associated with the following publications: (PMID: 18480049, 25085752, 25186627, 38136308, 27443514)

Blueprint Genetics
Classification: Uncertain significance. Last evaluated: 2023-09-12. Review status: criteria provided, single submitter. Criteria: ACMG Guidelines, 2015. Collection method: clinical testing. Allele origin: germline.

Myriad Genetics, Inc.
Classification: Likely benign for Familial cancer of breast. Last evaluated: 2023-02-24. Review status: criteria provided, single submitter. Criteria: Myriad Autosomal Dominant, Autosomal Recessive and X-Linked Classification Criteria (2023). Collection method: clinical testing. Allele origin: unknown.
Comment: This variant is considered likely benign. This variant is strongly associated with less severe personal and family histories of cancer, typical for individuals without pathogenic variants in this gene [PMID: 25085752].

Quest Diagnostics Nichols Institute San Juan Capistrano
Classification: Uncertain significance. Last evaluated: 2022-10-22. Review status: criteria provided, single submitter. Criteria: Quest Diagnostics criteria. Collection method: clinical testing. Allele origin: unknown.
Comment: The frequency of this variant in the general population, 0.000004 (1/251328 chromosomes), is uninformative in assessment of its pathogenicity. In the published literature, the variant has been reported in an individual with endometrial cancer (PMID: 27443514 (2016)) and in individuals with breast cancer (PMID: 25186627 (2015), 33471991 (2021)). Analysis of this variant using bioinformatics tools for the prediction of the effect of amino acid changes on protein structure and function yielded predictions that this variant is damaging. Based on the available information, we are unable to determine the clinical significance of this variant.

Fulgent Genetics
Classification: Uncertain significance for Familial cancer of breast. Last evaluated: 2022-05-05. Review status: criteria provided, single submitter. Criteria: ACMG Guidelines, 2015. Collection method: clinical testing. Allele origin: unknown.

Counsyl
Classification: Uncertain significance for Familial cancer of breast. Last evaluated: 2017-07-05. Review status: no assertion criteria provided. Collection method: clinical testing. Allele origin: unknown. Not counted in ClinVar's aggregate classification.

Literature cited by the submitters: PubMed 25186627 (cited by 5 submitters); PubMed 27443514 (cited by 6 submitters); PubMed 33471991 (cited by Color Diagnostics, LLC DBA Color Health and Quest Diagnostics Nichols Institute San Juan Capistrano); PubMed 38136308 (cited by Color Diagnostics, LLC DBA Color Health); PubMed 25085752 (cited by Myriad Genetics, Inc.).

NM_000465.4(BARD1):c.1360C>G (p.Pro454Ala)

Gene: BARD1 (BRCA1 associated RING domain 1; minus strand). Cytogenetic location: 2q35.
Variant type: single nucleotide variant.
Coding change: c.1360C>G on transcript NM_000465.4 (MANE Select); coding-DNA position 1360, C replaced by G.
Protein change: p.Pro454Ala; replaces proline 454 with alanine.
Molecular consequence: missense variant. On other transcripts: non-coding transcript variant (3), intron variant (3).
Genome position (GRCh38, 1-based): chr2:214,769,267, G>C on the plus strand (C>G on the coding strand, the complement: BARD1 is on the minus strand). VCF-style: chr2-214769267-G-C. GRCh37 (hg19) VCF-style: chr2-215633991-G-C.
Other names: p.P454A:CCA>GCA; c.1303C>G, p.Pro435Ala (NM_001282543.2); c.159-16712C>G (NM_001282548.2); c.216-16712C>G (NM_001282545.2); c.364+23030C>G (NM_001282549.2); short protein forms P454A, P435A.
Identifiers: ClinVar variation 182033 (VCV000182033.33), dbSNP rs730881408, ClinGen allele CA298438.
Genomic context (GRCh38, chr2:214,769,267, plus strand): 5'-ATGAGAATAAAAACCAGACAACTACCAATGGTGTCCATCCAGCATGGTCTTTAACATTTG[G>C]ATCACTTCCATTTTGTAAAAGGTATTCAACAGAAGGTATGTCGCCCTAGAAAAATGAACA-3'
Protein context (NP_000456.2, residues 444-464): VEYLLQNGSD[Pro454Ala]NVKDHAGWTP